The following is an entry in ClinVar:

NM_001447.3(FAT2):c.1241T>G (p.Leu414Trp)

Gene: FAT2 (FAT atypical cadherin 2; minus strand). Cytogenetic location: 5q33.1.
Variant type: single nucleotide variant.
Coding change: c.1241T>G on transcript NM_001447.3 (MANE Select); coding-DNA position 1241, T replaced by G.
Protein change: p.Leu414Trp; replaces leucine 414 with tryptophan.
Molecular consequence: missense variant.
Genome position (GRCh38, 1-based): chr5:151,567,691, A>C on the plus strand (T>G on the coding strand, the complement: FAT2 is on the minus strand). VCF-style: chr5-151567691-A-C. GRCh37 (hg19) VCF-style: chr5-150947252-A-C.
Other names: c.1241T>G (NM_001447.2); short protein forms L414W.
Identifiers: ClinVar variation 2198259 (VCV002198259.6), dbSNP rs143809308, ClinGen allele CA3522292.
Genomic context (GRCh38, chr5:151,567,691, plus strand): 5'-CTGATGTGTAGCTGATAGTGGGCTCTGTCGTGGAAGTCCATGAGCTTTGTGGTGGTGATC[A>C]ACCCAGTTCGAGCATTAAGTTTAAATCCTACATTCTCTGAAGATGGCTTTAGAACATACT-3'
Protein context (NP_001438.1, residues 404-424): VGFKLNARTG[Leu414Trp]ITTTKLMDFH

ClinVar aggregate classification (germline): Uncertain significance. Review status: criteria provided, multiple submitters, no conflicts (2 of 4 stars). 2 submissions from 2 submitters: Uncertain significance (2). Last evaluated 2025-05-21.

Allele frequency attached by ClinVar (database versions not stated): TOPMed 0.00023; gnomAD exomes 0.00024; ExAC 0.00026; gnomAD 0.00027; ESP Exome Variant Server 0.00031; 1000 Genomes Project 0.00040; 1000 Genomes Project 30x 0.00047.
gnomAD v4.1: 403 of 1,614,208 alleles (0.025%); highest among the groups gnomAD compares: South Asian, 0.071%; 2 homozygotes.

Submissions (2):

Labcorp Genetics (formerly Invitae), Labcorp
Classification: Uncertain significance. Last evaluated: 2025-05-21. Review status: criteria provided, single submitter. Criteria: Invitae Variant Classification Sherloc (09022015). Collection method: clinical testing. Allele origin: germline.
Comment: This sequence change replaces leucine, which is neutral and non-polar, with tryptophan, which is neutral and slightly polar, at codon 414 of the FAT2 protein (p.Leu414Trp). This variant is present in population databases (rs143809308, gnomAD 0.06%). This variant has not been reported in the literature in individuals affected with FAT2-related conditions. ClinVar contains an entry for this variant (Variation ID: 2198259). Invitae Evidence Modeling of protein sequence and biophysical properties (such as structural, functional, and spatial information, amino acid conservation, physicochemical variation, residue mobility, and thermodynamic stability) indicates that this missense variant is expected to disrupt FAT2 protein function with a positive predictive value of 80%. In summary, the available evidence is currently insufficient to determine the role of this variant in disease. Therefore, it has been classified as a Variant of Uncertain Significance.

Ambry Genetics
Classification: Uncertain significance. Last evaluated: 2025-03-31. Review status: criteria provided, single submitter. Criteria: Ambry Variant Classification Scheme 2023. Collection method: clinical testing. Allele origin: germline.